The following is an entry in ClinVar:

NM_001408.3(CELSR2):c.4709G>A (p.Gly1570Asp)

Gene: CELSR2 (cadherin EGF LAG seven-pass G-type receptor 2; plus strand). Cytogenetic location: 1p13.3.
Variant type: single nucleotide variant.
Coding change: c.4709G>A on transcript NM_001408.3 (MANE Select); coding-DNA position 4709, G replaced by A.
Protein change: p.Gly1570Asp; replaces glycine 1570 with aspartic acid.
Molecular consequence: missense variant.
Genome position (GRCh38, 1-based): chr1:109,263,142, G>A. VCF-style: chr1-109263142-G-A. GRCh37 (hg19) VCF-style: chr1-109805764-G-A.
Other names: c.4709G>A (NM_001408.2); short protein forms G1570D.
Identifiers: ClinVar variation 2153352 (VCV002153352.5), dbSNP rs773305986, ClinGen allele CA987314.
Genomic context (GRCh38, chr1:109,263,142, plus strand): 5'-ACAGGCTTTCTCTTTAGAGCCCCAGCTCAGGTCCACTGAGCTGCCTTCTCTCCATTCCAG[G>A]CTGCCCTGCCAAGAAGAACGTGTGTGACAGCAACACTTGCCACAATGGGGGCACTTGCGT-3'
Protein context (NP_001399.1, residues 1560-1580): DFIANNGTVP[Gly1570Asp]CPAKKNVCDS

ClinVar aggregate classification (germline): Uncertain significance. Review status: criteria provided, multiple submitters, no conflicts (2 of 4 stars). 2 submissions from 2 submitters: Uncertain significance (2). Last evaluated 2024-12-02.

Allele frequency attached by ClinVar (database versions not stated): TOPMed 0.00003; ExAC 0.00005; gnomAD 0.00006.
gnomAD v4.1: 51 of 1,596,786 alleles (0.0032%); highest among the groups gnomAD compares: Middle Eastern, 0.017%; no homozygotes.

Submissions (2):

Labcorp Genetics (formerly Invitae), Labcorp
Classification: Uncertain significance. Last evaluated: 2024-12-02. Review status: criteria provided, single submitter. Criteria: Invitae Variant Classification Sherloc (09022015). Collection method: clinical testing. Allele origin: germline.
Comment: This sequence change replaces glycine, which is neutral and non-polar, with aspartic acid, which is acidic and polar, at codon 1570 of the CELSR2 protein (p.Gly1570Asp). This variant is present in population databases (rs773305986, gnomAD 0.1%), and has an allele count higher than expected for a pathogenic variant. This variant has not been reported in the literature in individuals affected with CELSR2-related conditions. ClinVar contains an entry for this variant (Variation ID: 2153352). An algorithm developed to predict the effect of missense changes on protein structure and function (PolyPhen-2) suggests that this variant is likely to be disruptive. In summary, the available evidence is currently insufficient to determine the role of this variant in disease. Therefore, it has been classified as a Variant of Uncertain Significance.

Ambry Genetics
Classification: Uncertain significance. Last evaluated: 2021-10-05. Review status: criteria provided, single submitter. Criteria: Ambry Variant Classification Scheme 2023. Collection method: clinical testing. Allele origin: germline.